The following is an entry in ClinVar:

ClinVar aggregate classification (germline): Benign/Likely benign. Review status: criteria provided, multiple submitters, no conflicts (2 of 4 stars). 7 submissions from 7 submitters: Benign (4); Likely benign (1). 2 of the submissions do not count toward it. Last evaluated 2020-06-23.

Conditions:
Primary dilated cardiomyopathy (DCM). Also called: Dilated Cardiomyopathy. Identifiers: Orphanet 217604, MedGen C0007193, MeSH D002311, MONDO:0005021, HP:0001644. Inheritance: Various modes of inheritance.
Congenital total pulmonary venous return anomaly (TAPVR1). Also called: TOTAL ANOMALOUS PULMONARY VENOUS RETURN 1; Total anomalous pulmonary venous return. Identifiers: Orphanet 99125, MedGen C4551903, MONDO:0007130, OMIM 106700, HP:0005160.

Allele frequency attached by ClinVar (database versions not stated): 1000 Genomes Project 30x 0.00500; TOPMed 0.00734; ExAC 0.00215; gnomAD exomes 0.00064 and 0.00181; 1000 Genomes Project 0.00519; gnomAD 0.00697 and 0.00753; ESP Exome Variant Server 0.00746.
gnomAD v4.1: 2,045 of 1,613,830 alleles (0.13%); highest among the groups gnomAD compares: African/African-American, 2.3%; 21 homozygotes.

Submissions (7):

ARUP Laboratories, Molecular Genetics and Genomics, ARUP Laboratories
Classification: Benign. Last evaluated: 2020-06-23. Review status: criteria provided, single submitter. Criteria: ARUP Molecular Germline Variant Investigation Process. Collection method: clinical testing. Allele origin: germline.

Illumina Laboratory Services, Illumina
Classification: Likely benign for Primary dilated cardiomyopathy. Last evaluated: 2018-01-13. Review status: criteria provided, single submitter. Criteria: ICSL Variant Classification Criteria 13 December 2019. Collection method: clinical testing. Allele origin: germline.
Comment: This variant was observed in the ICSL laboratory as part of a predisposition screen in an ostensibly healthy population. It had not been previously curated by ICSL or reported in the Human Gene Mutation Database (HGMD: prior to June 1st, 2018), and was therefore a candidate for classification through an automated scoring system. Utilizing variant allele frequency, disease prevalence and penetrance estimates, and inheritance mode, an automated score was calculated to assess if this variant is too frequent to cause the disease. Based on the score and internal cut-off values, a variant classified as likely benign is not then subjected to further curation. The score for this variant resulted in a classification of likely benign for this disease.

Women's Health and Genetics/Laboratory Corporation of America, LabCorp
Classification: Benign. Last evaluated: 2017-08-02. Review status: criteria provided, single submitter. Criteria: LabCorp Variant Classification Summary - May 2015. Collection method: clinical testing. Allele origin: germline.
Comment: Variant summary: The ANKRD1 c.-17A>G variant involves the alteration of a non-conserved nucleotide in 5 UTR region. Mutation taster predicts a benign outcome for this variant. This variant was found in 261/121134 control chromosomes (1 homozygote) from ExAC, predominantly observed in the African subpopulation at a frequency of 0.023558 (245/10400). This frequency is about 685 times the estimated maximal expected allele frequency of a pathogenic ANKRD1 variant (0.0000344), suggesting this is likely a benign polymorphism found primarily in the populations of African origin. One clinical diagnostic laboratory in ClinVar has classified this variant as benign. To our knowledge, this variant has not been reported in affected individuals via publications. Taken together, this variant is classified as benign.

Clinical Genetics DNA and cytogenetics Diagnostics Lab, Erasmus MC, Erasmus Medical Center
Classification: Benign for Congenital total pulmonary venous return anomaly. Last evaluated: 2017-05-31. Review status: criteria provided, single submitter. Criteria: ACGS Guidelines, 2013. Collection method: clinical testing. Allele origin: germline. Affected: yes. Study: VKGL Data-share Consensus.

GeneDx
Classification: Benign. Last evaluated: 2013-02-22. Review status: criteria provided, single submitter. Criteria: GeneDx Variant Classification (06012015). Collection method: clinical testing. Allele origin: germline. Affected: yes.
Comment: This variant is considered likely benign or benign based on one or more of the following criteria: it is a conservative change, it occurs at a poorly conserved position in the protein, it is predicted to be benign by multiple in silico algorithms, and/or has population frequency not consistent with disease.

Clinical Genetics, Academic Medical Center
Classification: Benign. Review status: no assertion criteria provided. Collection method: clinical testing. Allele origin: germline. Affected: yes. Study: VKGL Data-share Consensus. Not counted in ClinVar's aggregate classification.

Diagnostic Laboratory, Department of Genetics, University Medical Center Groningen
Classification: Likely benign for Congenital total pulmonary venous return anomaly. Review status: no assertion criteria provided. Collection method: clinical testing. Allele origin: germline. Affected: yes. Study: VKGL Data-share Consensus. Not counted in ClinVar's aggregate classification.

NM_014391.3(ANKRD1):c.-17A>G

Gene: ANKRD1 (ankyrin repeat domain 1; minus strand). Cytogenetic location: 10q23.31.
Variant type: single nucleotide variant.
Coding change: c.-17A>G on transcript NM_014391.3 (MANE Select); 17 bases upstream of the start codon, A replaced by G.
Molecular consequence: 5 prime UTR variant.
Genome position (GRCh38, 1-based): chr10:90,921,044, T>C on the plus strand (A>G on the coding strand, the complement: ANKRD1 is on the minus strand). VCF-style: chr10-90921044-T-C. GRCh37 (hg19) VCF-style: chr10-92680801-T-C.
Identifiers: ClinVar variation 136404 (VCV000136404.15), dbSNP rs79341122, ClinGen allele CA333053.